The following is an entry in ClinVar:

NM_177438.3(DICER1):c.2427C>G (p.Pro809=)

Gene: DICER1 (dicer 1, ribonuclease III; minus strand). Cytogenetic location: 14q32.13.
Variant type: single nucleotide variant.
Coding change: c.2427C>G on transcript NM_177438.3 (MANE Select); coding-DNA position 2427, C replaced by G.
Protein change: p.Pro809=; no amino-acid change (proline 809 retained).
Molecular consequence: synonymous variant.
Genome position (GRCh38, 1-based): chr14:95,108,333, G>C on the plus strand (C>G on the coding strand, the complement: DICER1 is on the minus strand). VCF-style: chr14-95108333-G-C. GRCh37 (hg19) VCF-style: chr14-95574670-G-C.
Other names: c.2427C>G, p.Pro809= (NM_001195573.1, NM_001271282.3, NM_001291628.2 and 1 more transcripts).
Identifiers: ClinVar variation 483457 (VCV000483457.6), dbSNP rs1555370883, ClinGen allele CA487628372.

ClinVar aggregate classification (germline): Benign/Likely benign. Review status: criteria provided, multiple submitters, no conflicts (2 of 4 stars). 2 submissions from 2 submitters: Benign (1); Likely benign (1). Last evaluated 2026-08-17.

Conditions:
Hereditary cancer-predisposing syndrome. Also called: Tumor predisposition; Neoplastic Syndromes, Hereditary; Hereditary Cancer Syndrome; Hereditary neoplastic syndrome. Identifiers: Orphanet 140162, MedGen C0027672, MeSH D009386, MONDO:0015356.
DICER1-related tumor predisposition. Also called: DICER1 syndrome; DICER1-related pleuropulmonary blastoma cancer predisposition syndrome. Identifiers: Orphanet 284343, MedGen C3839822, MONDO:0100216.

Submissions (2):

Myriad Genetics, Inc.
Classification: Benign for DICER1-related tumor predisposition. Last evaluated: 2026-08-17. Review status: criteria provided, single submitter. Criteria: Myriad Autosomal Dominant, Autosomal Recessive and X-Linked Classification Criteria (2023). Collection method: clinical testing. Allele origin: unknown.
Comment: This variant is considered benign. This variant is a silent/synonymous amino acid change and it is not expected to impact splicing.

Ambry Genetics
Classification: Likely benign for Hereditary cancer-predisposing syndrome. Last evaluated: 2017-07-27. Review status: criteria provided, single submitter. Criteria: Ambry Variant Classification Scheme 2023. Collection method: clinical testing. Allele origin: germline.